The following is an entry in ClinVar:

ClinVar aggregate classification (germline): Likely benign. Review status: criteria provided, multiple submitters, no conflicts (2 of 4 stars). 3 submissions from 3 submitters: Likely benign (3). Last evaluated 2026-03-13.

Conditions:
IMPG1-related disorder. Also called: IMPG1-related condition.

Allele frequency attached by ClinVar (database versions not stated): gnomAD 0.00001; gnomAD exomes 0.00001 and 0.00005; ExAC 0.00003; TOPMed 0.00003; 1000 Genomes Project 30x 0.00016; 1000 Genomes Project 0.00020.
gnomAD v4.1: 15 of 1,613,886 alleles (0.00093%); highest among the groups gnomAD compares: East Asian, 0.033%; no homozygotes.

Submissions (3):

PreventionGenetics, part of Exact Sciences
Classification: Likely benign for IMPG1-related condition. Last evaluated: 2026-03-13. Review status: criteria provided, single submitter. Criteria: ACMG Guidelines, 2015. Collection method: clinical testing. Allele origin: germline.
Comment: This variant is classified as likely benign based on ACMG/AMP sequence variant interpretation guidelines (Richards et al. 2015 PMID: 25741868, with internal and published modifications).

Labcorp Genetics (formerly Invitae), Labcorp
Classification: Likely benign. Last evaluated: 2025-02-06. Review status: criteria provided, single submitter. Criteria: Invitae Variant Classification Sherloc (09022015). Collection method: clinical testing. Allele origin: germline.

Blueprint Genetics
Classification: Likely benign. Last evaluated: 2021-06-28. Review status: criteria provided, single submitter. Criteria: ACMG Guidelines, 2015. Collection method: clinical testing. Allele origin: germline.

NM_001563.4(IMPG1):c.1515C>T (p.Asp505=)

Gene: IMPG1 (interphotoreceptor matrix proteoglycan 1; minus strand). Cytogenetic location: 6q14.1.
Variant type: single nucleotide variant.
Coding change: c.1515C>T on transcript NM_001563.4 (MANE Select); coding-DNA position 1515, C replaced by T.
Protein change: p.Asp505=; no amino-acid change (aspartic acid 505 retained).
Molecular consequence: synonymous variant.
Genome position (GRCh38, 1-based): chr6:75,950,871, G>A on the plus strand (C>T on the coding strand, the complement: IMPG1 is on the minus strand). VCF-style: chr6-75950871-G-A. GRCh37 (hg19) VCF-style: chr6-76660588-G-A.
Other names: c.1515C>T (NM_001563.3); c.1281C>T, p.Asp427= (NM_001282368.2).
Identifiers: ClinVar variation 1113786 (VCV001113786.11), dbSNP rs79766540, ClinGen allele CA3898104.